The following is an entry in ClinVar:

NM_138383.3(MTSS2):c.1150C>A (p.His384Asn)

Gene: MTSS2 (MTSS I-BAR domain containing 2; minus strand). Cytogenetic location: 16q22.1.
Variant type: single nucleotide variant.
Coding change: c.1150C>A on transcript NM_138383.3 (MANE Select); coding-DNA position 1150, C replaced by A.
Protein change: p.His384Asn; replaces histidine 384 with asparagine.
Molecular consequence: missense variant.
Genome position (GRCh38, 1-based): chr16:70,665,075, G>T on the plus strand (C>A on the coding strand, the complement: MTSS2 is on the minus strand). VCF-style: chr16-70665075-G-T. GRCh37 (hg19) VCF-style: chr16-70698978-G-T.
Other names: short protein forms H384N.
Identifiers: ClinVar variation 3369296 (VCV003369296.1).

ClinVar aggregate classification (germline): Uncertain significance (1 of 4 stars; one submission).

Submission:

GeneDx
Classification: Uncertain significance. Last evaluated: 2024-02-18. Review status: criteria provided, single submitter. Criteria: GeneDx Variant Classification Process June 2021. Collection method: clinical testing. Allele origin: germline. Affected: yes.
Comment: Not observed at significant frequency in large population cohorts (gnomAD); In silico analysis supports that this missense variant does not alter protein structure/function; Has not been previously published as pathogenic or benign to our knowledge